The following is an entry in ClinVar:

NM_003901.4(SGPL1):c.785C>T (p.Thr262Met)

Gene: SGPL1 (sphingosine-1-phosphate lyase 1; plus strand). Cytogenetic location: 10q22.1.
Variant type: single nucleotide variant.
Coding change: c.785C>T on transcript NM_003901.4 (MANE Select); coding-DNA position 785, C replaced by T.
Protein change: p.Thr262Met; replaces threonine 262 with methionine.
Molecular consequence: missense variant.
Genome position (GRCh38, 1-based): chr10:70,869,872, C>T. VCF-style: chr10-70869872-C-T. GRCh37 (hg19) VCF-style: chr10-72629629-C-T.
Other names: c.785C>T (NM_003901.3); short protein forms T262M.
Identifiers: ClinVar variation 1895639 (VCV001895639.3), dbSNP rs763306712, ClinGen allele CA5541294.

ClinVar aggregate classification (germline): Uncertain significance. Review status: criteria provided, multiple submitters, no conflicts (2 of 4 stars). 2 submissions from 2 submitters: Uncertain significance (2). Last evaluated 2024-01-03.

Conditions:
Inborn genetic diseases. Identifiers: MedGen C0950123, MeSH D030342.

Allele frequency attached by ClinVar (database versions not stated): gnomAD 0.00001; TOPMed 0.00001; gnomAD exomes 0.00002; ExAC 0.00004.
gnomAD v4.1: 29 of 1,613,874 alleles (0.0018%); highest among the groups gnomAD compares: Middle Eastern, 0.016%; no homozygotes.

Submissions (2):

Ambry Genetics
Classification: Uncertain significance for Inborn genetic diseases. Last evaluated: 2024-01-03. Review status: criteria provided, single submitter. Criteria: Ambry Variant Classification Scheme 2023. Collection method: clinical testing. Allele origin: germline.

Labcorp Genetics (formerly Invitae), Labcorp
Classification: Uncertain significance. Last evaluated: 2022-07-24. Review status: criteria provided, single submitter. Criteria: Invitae Variant Classification Sherloc (09022015). Collection method: clinical testing. Allele origin: germline.
Comment: This sequence change replaces threonine, which is neutral and polar, with methionine, which is neutral and non-polar, at codon 262 of the SGPL1 protein (p.Thr262Met). This variant is present in population databases (rs763306712, gnomAD 0.006%). This variant has not been reported in the literature in individuals affected with SGPL1-related conditions. Algorithms developed to predict the effect of missense changes on protein structure and function are either unavailable or do not agree on the potential impact of this missense change (SIFT: "Deleterious"; PolyPhen-2: "Possibly Damaging"; Align-GVGD: "Class C0"). In summary, the available evidence is currently insufficient to determine the role of this variant in disease. Therefore, it has been classified as a Variant of Uncertain Significance.